The following is an entry in ClinVar:

NM_001042492.3(NF1):c.6955G>A (p.Ala2319Thr)

Gene: NF1 (neurofibromin 1; plus strand). Cytogenetic location: 17q11.2.
Variant type: single nucleotide variant.
Coding change: c.6955G>A on transcript NM_001042492.3 (MANE Select); coding-DNA position 6955, G replaced by A.
Protein change: p.Ala2319Thr; replaces alanine 2319 with threonine.
Molecular consequence: missense variant.
Genome position (GRCh38, 1-based): chr17:31,340,538, G>A. VCF-style: chr17-31340538-G-A. GRCh37 (hg19) VCF-style: chr17-29667556-G-A.
Other names: c.6892G>A, p.Ala2298Thr (NM_000267.4); short protein forms A2298T, A2319T.
Identifiers: ClinVar variation 187632 (VCV000187632.13), dbSNP rs786203881, ClinGen allele CA198146.

ClinVar aggregate classification (germline): Uncertain significance. Review status: criteria provided, multiple submitters, no conflicts (2 of 4 stars). 6 submissions from 5 submitters: Uncertain significance (6). Last evaluated 2024-06-12.

Conditions:
Hereditary cancer-predisposing syndrome. Also called: Hereditary Cancer Syndrome; Neoplastic Syndromes, Hereditary; Tumor predisposition; Hereditary neoplastic syndrome. Identifiers: Orphanet 140162, MedGen C0027672, MeSH D009386, MONDO:0015356.
Cardiovascular phenotype. Identifiers: MedGen CN230736.
Juvenile myelomonocytic leukemia (JMML). Also called: LEUKEMIA, JUVENILE MYELOMONOCYTIC, SOMATIC. Identifiers: Orphanet 86834, MedGen C0349639, MONDO:0011908, OMIM 607785, HP:0012209.
Café-au-lait macules with pulmonary stenosis (WTSN). Also called: PULMONIC STENOSIS WITH CAFE-AU-LAIT SPOTS. Identifiers: MedGen C0553586, MONDO:0008672, OMIM 193520.
Neurofibromatosis, type 1 (NF1). Also called: NEUROFIBROMATOSIS, TYPE I, SOMATIC; VON RECKLINGHAUSEN DISEASE; Peripheral type neurofibromatosis; Neurofibromatosis, type I. Identifiers: Orphanet 636, MedGen C0027831, MONDO:0018975, OMIM 162200. Disease mechanism: loss of function.
Neurofibromatosis-Noonan syndrome (NFNS). Also called: NEUROFIBROMATOSIS WITH NOONAN PHENOTYPE. Identifiers: Orphanet 638, MedGen C2931482, MONDO:0011035, OMIM 601321. Disease mechanism: loss of function.
Neurofibromatosis, familial spinal (FSNF). Identifiers: Orphanet 636, MedGen C1834235, MONDO:0008078, OMIM 162210. Disease mechanism: loss of function.

Allele frequency attached by ClinVar (database versions not stated): TOPMed below 0.00001.

Submissions (6):

Fulgent Genetics
Classification: Uncertain significance for Neurofibromatosis, type 1; Neurofibromatosis, familial spinal; Café-au-lait macules with pulmonary stenosis; Neurofibromatosis-Noonan syndrome; Juvenile myelomonocytic leukemia. Last evaluated: 2024-06-12. Review status: criteria provided, single submitter. Criteria: ACMG Guidelines, 2015. Collection method: clinical testing. Allele origin: germline.

Clinical Genomics Laboratory, Washington University in St. Louis
Classification: Uncertain significance for Neurofibromatosis, type 1. Last evaluated: 2024-06-03. Review status: criteria provided, single submitter. Criteria: ACMG Guidelines, 2015. Collection method: clinical testing. Allele origin: germline.
Comment: The NF1 c.6955G>A (p.Ala2319Thr) variant, to our knowledge, has not been reported in the medical literature. This variant has been reported in the ClinVar database as a variant of uncertain significance by 2 submitters (Variation ID: 187632). This variant is absent from the general population (gnomAD v.2.1.1), indicating it is not a common variant. Computational predictors are uncertain as to the impact of this variant on NF1 function. Due to limited information and based on ACMG/AMP guidelines for variant interpretation (Richards S et al., PMID: 25741868), the clinical significance of this variant is uncertain at this time.

Labcorp Genetics (formerly Invitae), Labcorp
Classification: Uncertain significance for Neurofibromatosis, type 1. Last evaluated: 2023-11-02. Review status: criteria provided, single submitter. Criteria: Invitae Variant Classification Sherloc (09022015). Collection method: clinical testing. Allele origin: germline.
Comment: This sequence change replaces alanine, which is neutral and non-polar, with threonine, which is neutral and polar, at codon 2298 of the NF1 protein (p.Ala2298Thr). This variant is not present in population databases (gnomAD no frequency). This variant has not been reported in the literature in individuals affected with NF1-related conditions. ClinVar contains an entry for this variant (Variation ID: 187632). Advanced modeling of protein sequence and biophysical properties (such as structural, functional, and spatial information, amino acid conservation, physicochemical variation, residue mobility, and thermodynamic stability) performed at Invitae indicates that this missense variant is expected to disrupt NF1 protein function with a positive predictive value of 95%. In summary, the available evidence is currently insufficient to determine the role of this variant in disease. Therefore, it has been classified as a Variant of Uncertain Significance.

Genome-Nilou Lab
Classification: Uncertain significance for Neurofibromatosis, type 1. Last evaluated: 2022-03-15. Review status: criteria provided, single submitter. Criteria: ACMG Guidelines, 2015. Collection method: clinical testing. Allele origin: germline. Affected: no.

Ambry Genetics
Classification: Uncertain significance for Cardiovascular phenotype; Hereditary cancer-predisposing syndrome. Last evaluated: 2021-06-24. Review status: criteria provided, single submitter. Criteria: Ambry Variant Classification Scheme 2023. Collection method: clinical testing. Allele origin: germline.

Ambry Genetics
Classification: Uncertain significance for Hereditary cancer-predisposing syndrome. Last evaluated: 2014-12-23. Review status: criteria provided, single submitter. Criteria: Ambry Autosomal Dominant and X-Linked criteria (10/2015). Collection method: clinical testing. Allele origin: germline. Observed: 1 variant allele.
Comment: Thep.A2319Tvariant (also known as c.6955G>A), located in coding exon 47 of theNF1gene, results from a G to A substitution at nucleotide position 6955. The alanine at codon 2319 is replaced by threonine, an amino acid with similar properties. This variant was not reported in population based cohorts in the following databases: Database of Single Nucleotide Polymorphisms (dbSNP), NHLBI Exome Sequencing Project (ESP), and 1000 Genomes Project. In the ESP, this variant was not observed in 6503 samples (13006 alleles) with coverage at this position. To date, this alteration has been detected with an allele frequency of approximately 0.003% (greater than 30000 alleles tested) in our clinical cohort. This amino acid position is highly conserved in available vertebrate species. In addition, the in silico prediction for this alteration is inconclusive. Since supporting evidence is limited at this time, the clinical significance of p.A2319Tremains unclear.